The following is an entry in ClinVar:

NM_032520.5(GNPTG):c.375C>A (p.Asp125Glu)

Gene: GNPTG (N-acetylglucosamine-1-phosphate transferase subunit gamma; plus strand). Cytogenetic location: 16p13.3.
Variant type: single nucleotide variant.
Coding change: c.375C>A on transcript NM_032520.5 (MANE Select); coding-DNA position 375, C replaced by A.
Protein change: p.Asp125Glu; replaces aspartic acid 125 with glutamic acid.
Molecular consequence: missense variant.
Genome position (GRCh38, 1-based): chr16:1,362,095, C>A. VCF-style: chr16-1362095-C-A. GRCh37 (hg19) VCF-style: chr16-1412096-C-A.
Other names: c.375C>A (NM_032520.4); short protein forms D125E.
Identifiers: ClinVar variation 2081407 (VCV002081407.4), dbSNP rs141870165, ClinGen allele CA7807654.
Genomic context (GRCh38, chr16:1,362,095, plus strand): 5'-CAGCATCTGGCACGAGTGGGAGATCGCCAACAACACCTTCACGGGCATGTGGATGAGGGA[C>A]GGTGACGCCTGCCGTTCCCGGAGCCGGCAGAGCAAGGTGGGGCCTCAGACGGGAGCCCGG-3'
Protein context (NP_115909.1, residues 115-135): NNTFTGMWMR[Asp125Glu]GDACRSRSRQ

ClinVar aggregate classification (germline): Uncertain significance. Review status: criteria provided, multiple submitters, no conflicts (2 of 4 stars). 2 submissions from 2 submitters: Uncertain significance (2). Last evaluated 2025-04-15.

Conditions:
Inborn genetic diseases. Identifiers: MedGen C0950123, MeSH D030342.

Allele frequency attached by ClinVar (database versions not stated): gnomAD 0.00011; ESP Exome Variant Server 0.00015.
gnomAD v4.1: 29 of 1,611,242 alleles (0.0018%); highest among the groups gnomAD compares: African/African-American, 0.035%; no homozygotes.

Submissions (3):

Ambry Genetics
Classification: Uncertain significance for Inborn genetic diseases. Last evaluated: 2025-04-15. Review status: criteria provided, single submitter. Criteria: Ambry Variant Classification Scheme 2023. Collection method: clinical testing. Allele origin: germline.

Labcorp Genetics (formerly Invitae), Labcorp
Classification: Uncertain significance. Last evaluated: 2025-02-03. Review status: criteria provided, single submitter. Criteria: Invitae Variant Classification Sherloc (09022015). Collection method: clinical testing. Allele origin: germline.
Comment: This sequence change replaces aspartic acid, which is acidic and polar, with glutamic acid, which is acidic and polar, at codon 125 of the GNPTG protein (p.Asp125Glu). This variant is present in population databases (rs141870165, gnomAD 0.04%). This variant has not been reported in the literature in individuals affected with GNPTG-related conditions. ClinVar contains an entry for this variant (Variation ID: 2081407). Invitae Evidence Modeling of protein sequence and biophysical properties (such as structural, functional, and spatial information, amino acid conservation, physicochemical variation, residue mobility, and thermodynamic stability) indicates that this missense variant is not expected to disrupt GNPTG protein function with a negative predictive value of 80%. In summary, the available evidence is currently insufficient to determine the role of this variant in disease. Therefore, it has been classified as a Variant of Uncertain Significance.

Dr. Peter K. Rogan Lab, Western University
No classification provided (evidence only). Condition: Cervical cancer. Review status: no classification provided. Collection method: in vitro. Allele origin: not applicable. Functional consequence: retained intron. Not counted in ClinVar's aggregate classification.